The following is an entry in ClinVar:

ClinVar aggregate classification (germline): Uncertain significance (0 of 4 stars; one submission).

Conditions:
PDGFRB-related disorder. Also called: PDGFRB-related condition.

Allele frequency attached by ClinVar (database versions not stated): gnomAD exomes below 0.00001.
gnomAD v4.1: 2 of 1,602,368 alleles (0.00012%); highest among the groups gnomAD compares: Non-Finnish European, 0.00017%; no homozygotes.

Submission:

PreventionGenetics, part of Exact Sciences
Classification: Uncertain significance for PDGFRB-related condition. Last evaluated: 2024-09-20. Review status: no assertion criteria provided. Collection method: clinical testing. Allele origin: germline.
Comment: The PDGFRB c.125T>C variant is predicted to result in the amino acid substitution p.Leu42Pro. This variant corresponds to an intronic position within the primary transcript (NM_002609.3:c.631+11T>C). To our knowledge, this variant has not been reported in the literature or in a large population database, indicating this variant is rare. At this time, the clinical significance of this variant is uncertain due to the absence of conclusive functional and genetic evidence.

NM_002609.4(PDGFRB):c.631+11T>C

Gene: PDGFRB (platelet derived growth factor receptor beta; minus strand). Cytogenetic location: 5q32.
Variant type: single nucleotide variant.
Coding change: c.631+11T>C on transcript NM_002609.4 (MANE Select); 11 bases into the intron after coding-DNA position 631, T replaced by C.
Molecular consequence: intron variant. On other transcripts: missense variant (1).
Genome position (GRCh38, 1-based): chr5:150,134,739, A>G on the plus strand (T>C on the coding strand, the complement: PDGFRB is on the minus strand). VCF-style: chr5-150134739-A-G. GRCh37 (hg19) VCF-style: chr5-149514302-A-G.
Other names: c.125T>C, p.Leu42Pro (NM_001355017.2); c.439+11T>C (NM_001355016.2); short protein forms L42P.
Identifiers: ClinVar variation 2629650 (VCV002629650.2), dbSNP rs2481241987, ClinGen allele CA2675966550.